The following is an entry in ClinVar:

NM_025215.6(PUS1):c.1140C>T (p.Thr380=)

Gene: PUS1 (pseudouridine synthase 1; plus strand). Cytogenetic location: 12q24.33.
Variant type: single nucleotide variant.
Coding change: c.1140C>T on transcript NM_025215.6 (MANE Select); coding-DNA position 1140, C replaced by T.
Protein change: p.Thr380=; no amino-acid change (threonine 380 retained).
Molecular consequence: synonymous variant.
Genome position (GRCh38, 1-based): chr12:131,941,887, C>T. VCF-style: chr12-131941887-C-T. GRCh37 (hg19) VCF-style: chr12-132426432-C-T.
Other names: p.T380T:ACC>ACT; c.1056C>T, p.Thr352= (NM_001002019.3, NM_001002020.3).
Identifiers: ClinVar variation 215040 (VCV000215040.40), dbSNP rs138198591, ClinGen allele CA323140.

ClinVar aggregate classification (germline): Conflicting classifications of pathogenicity. Review status: criteria provided, conflicting classifications (1 of 4 stars). 5 submissions from 5 submitters: Uncertain significance (1); Benign (1); Likely benign (3). Last evaluated 2026-02-01.

Conditions:
Myopathy, lactic acidosis, and sideroblastic anemia 1 (MLASA1). Identifiers: Orphanet 2598, MedGen C4551958, MONDO:0024553, OMIM 600462.

Allele frequency attached by ClinVar (database versions not stated): 1000 Genomes Project 0.00040; 1000 Genomes Project 30x 0.00062; ESP Exome Variant Server 0.00077; gnomAD 0.00098 and 0.00103; gnomAD exomes 0.00101 and 0.00121; TOPMed 0.00118; ExAC 0.00125.
gnomAD v4.1: 1,740 of 1,613,594 alleles (0.11%); highest among the groups gnomAD compares: Middle Eastern, 1.7%; 7 homozygotes.

Submissions (5):

Labcorp Genetics (formerly Invitae), Labcorp
Classification: Likely benign. Last evaluated: 2026-02-01. Review status: criteria provided, single submitter. Criteria: Invitae Variant Classification Sherloc (09022015). Collection method: clinical testing. Allele origin: germline.

CeGaT Center for Human Genetics Tuebingen
Classification: Likely benign. Last evaluated: 2025-09-01. Review status: criteria provided, single submitter. Criteria: CeGaT Center For Human Genetics Tuebingen Variant Classification Criteria Version 2. Collection method: clinical testing. Allele origin: germline. Affected: yes. Observed: 4 variant alleles.
Comment: PUS1: BP4, BP7

Blueprint Genetics
Classification: Likely benign. Last evaluated: 2024-11-22. Review status: criteria provided, single submitter. Criteria: ACMG Guidelines, 2015. Collection method: clinical testing. Allele origin: germline.

Illumina Laboratory Services, Illumina
Classification: Uncertain significance for Myopathy, lactic acidosis, and sideroblastic anemia 1. Last evaluated: 2018-01-13. Review status: criteria provided, single submitter. Criteria: ICSL Variant Classification Criteria 13 December 2019. Collection method: clinical testing. Allele origin: germline.

GeneDx
Classification: Benign. Last evaluated: 2014-07-16. Review status: criteria provided, single submitter. Criteria: GeneDx Variant Classification (06012015). Collection method: clinical testing. Allele origin: germline. Affected: yes.
Comment: This variant is considered likely benign or benign based on one or more of the following criteria: it is a conservative change, it occurs at a poorly conserved position in the protein, it is predicted to be benign by multiple in silico algorithms, and/or has population frequency not consistent with disease.